The following is an entry in ClinVar:

NM_002491.3(NDUFB3):c.61C>T (p.Gln21Ter)

Gene: NDUFB3 (NADH:ubiquinone oxidoreductase subunit B3; plus strand). Cytogenetic location: 2q33.1.
Variant type: single nucleotide variant.
Coding change: c.61C>T on transcript NM_002491.3 (MANE Select); coding-DNA position 61, C replaced by T.
Protein change: p.Gln21Ter; replaces glutamine 21 with a stop codon.
Molecular consequence: nonsense.
Genome position (GRCh38, 1-based): chr2:201,078,943, C>T. VCF-style: chr2-201078943-C-T. GRCh37 (hg19) VCF-style: chr2-201943666-C-T.
Other names: c.61C>T, p.Gln21Ter (NM_001257102.2); short protein forms Q21*.
Identifiers: ClinVar variation 1678606 (VCV001678606.2), dbSNP rs2125534701, ClinGen allele CA350268530.

ClinVar aggregate classification (germline): Likely pathogenic (1 of 4 stars; one submission).

Conditions:
Mitochondrial complex I deficiency, nuclear type 25. Also called: Mitochondrial complex 1 deficiency, nuclear type 25. Identifiers: MedGen C4748806, MONDO:0032629, OMIM 618246.

Submission:

Molecular Genetics, Royal Melbourne Hospital
Classification: Likely pathogenic for Mitochondrial complex I deficiency, nuclear type 25. Last evaluated: 2022-04-22. Review status: criteria provided, single submitter. Criteria: ACMG Guidelines, 2015. Collection method: clinical testing. Allele origin: germline.
Comment: This sequence change creates a premature termination codon at position 21 in exon 2 (of 3) of NDUFB3, p.(Gln21*). It is expected to result in nonsense-mediated decay. There are two reported pathogenic loss of function variants reported downstream of this variant (ClinVar). The variant is absent in a large population cohort (gnomAD v2.1). It has not been reported in the relevant medical literature or databases. Based on the classification scheme RMH ACMG Guidelines v1.2.1, this variant is classified as LIKELY PATHOGENIC. Following criteria are met: PVS1, PM2.